The following is an entry in ClinVar:

NM_001372044.2(SHANK3):c.3461C>A (p.Pro1154Gln)

Gene: SHANK3 (SH3 and multiple ankyrin repeat domains 3; plus strand). Cytogenetic location: 22q13.33.
Variant type: single nucleotide variant.
Coding change: c.3461C>A on transcript NM_001372044.2 (MANE Select); coding-DNA position 3461, C replaced by A.
Protein change: p.Pro1154Gln; replaces proline 1154 with glutamine.
Molecular consequence: missense variant.
Genome position (GRCh38, 1-based): chr22:50,721,069, C>A. VCF-style: chr22-50721069-C-A. GRCh37 (hg19) VCF-style: chr22-51159497-C-A.
Other names: c.3236C>A (NM_033517.1); short protein forms P1154Q.
Identifiers: ClinVar variation 3373258 (VCV003373258.1).

ClinVar aggregate classification (germline): Uncertain significance (1 of 4 stars; one submission).

Submission:

GeneDx
Classification: Uncertain significance. Last evaluated: 2024-04-30. Review status: criteria provided, single submitter. Criteria: GeneDx Variant Classification Process June 2021. Collection method: clinical testing. Allele origin: germline. Affected: yes.
Comment: Not observed at significant frequency in large population cohorts (gnomAD); Has not been previously published as pathogenic or benign to our knowledge; In silico analysis does not support a benign or deleterious effect of this variant on protein structure/function